The following is an entry in ClinVar:

NM_152564.5(VPS13B):c.6039T>G (p.Asn2013Lys)

Gene: VPS13B (vacuolar protein sorting 13 homolog B; plus strand). Cytogenetic location: 8q22.2.
Variant type: single nucleotide variant.
Coding change: c.6039T>G on transcript NM_152564.5 (MANE Select); coding-DNA position 6039, T replaced by G.
Protein change: p.Asn2013Lys; replaces asparagine 2013 with lysine.
Molecular consequence: missense variant.
Genome position (GRCh38, 1-based): chr8:99,661,484, T>G. VCF-style: chr8-99661484-T-G. GRCh37 (hg19) VCF-style: chr8-100673712-T-G.
Other names: c.6114T>G, p.Asn2038Lys (NM_017890.5); short protein forms N2013K, N2038K.
Identifiers: ClinVar variation 1966625 (VCV001966625.2), dbSNP rs1211147648, ClinGen allele CA371869181.
Genomic context (GRCh38, chr8:99,661,484, plus strand): 5'-AGACAGCAAAAGTGGTATTCCACCTTCCTTTATAACACTACAGATTAAAGACTTTCTGAA[T>G]GGACCAGGTAAGAAAGTCATAAAATTTACATGTGTGTACATTTTTTATGTGAATATATTA-3'
Protein context (NP_689777.3, residues 2003-2023): FITLQIKDFL[Asn2013Lys]GPADVNLDIS

ClinVar aggregate classification (germline): Uncertain significance (1 of 4 stars; one submission).

Conditions:
Cohen syndrome (COH1). Also called: Cutis verticis gyrata, retinitis pigmentosa, and sensorineural deafness; PEPPER SYNDROME. Identifiers: Orphanet 193, MedGen C0265223, MONDO:0008999, OMIM 216550.

Submission:

Labcorp Genetics (formerly Invitae), Labcorp
Classification: Uncertain significance for Cohen syndrome. Last evaluated: 2022-01-26. Review status: criteria provided, single submitter. Criteria: Invitae Variant Classification Sherloc (09022015). Collection method: clinical testing. Allele origin: germline.
Comment: This sequence change replaces asparagine, which is neutral and polar, with lysine, which is basic and polar, at codon 2038 of the VPS13B protein (p.Asn2038Lys). This variant is not present in population databases (gnomAD no frequency). This variant has not been reported in the literature in individuals affected with VPS13B-related conditions. Algorithms developed to predict the effect of missense changes on protein structure and function are either unavailable or do not agree on the potential impact of this missense change (SIFT: "Not Available"; PolyPhen-2: "Probably Damaging"; Align-GVGD: "Not Available"). In summary, the available evidence is currently insufficient to determine the role of this variant in disease. Therefore, it has been classified as a Variant of Uncertain Significance.